The following is an entry in ClinVar:

NM_000123.4(ERCC5):c.788G>A (p.Arg263Gln)

Genes: BIVM-ERCC5 (BIVM-ERCC5 readthrough; plus strand), ERCC5 (ERCC excision repair 5, endonuclease; plus strand). Cytogenetic location: 13q33.1.
Variant type: single nucleotide variant.
Coding change: c.788G>A on transcript NM_000123.4 (MANE Select); coding-DNA position 788, G replaced by A.
Protein change: p.Arg263Gln; replaces arginine 263 with glutamine.
Molecular consequence: missense variant.
Genome position (GRCh38, 1-based): chr13:102,861,622, G>A. VCF-style: chr13-102861622-G-A. GRCh37 (hg19) VCF-style: chr13-103513972-G-A.
Other names: c.2150G>A, p.Arg717Gln (NM_001204425.2); short protein forms R263Q, R717Q.
Identifiers: ClinVar variation 134185 (VCV000134185.43), dbSNP rs61749896, ClinGen allele CA159042.

ClinVar aggregate classification (germline): Conflicting classifications of pathogenicity. Review status: criteria provided, conflicting classifications (1 of 4 stars). 8 submissions from 8 submitters: Uncertain significance (2); Benign (1); Likely benign (4). 1 of the submissions does not count toward it. Last evaluated 2026-01-26.

Conditions:
Hereditary cancer-predisposing syndrome. Also called: Tumor predisposition; Hereditary neoplastic syndrome; Neoplastic Syndromes, Hereditary; Hereditary Cancer Syndrome. Identifiers: Orphanet 140162, MedGen C0027672, MeSH D009386, MONDO:0015356.
Xeroderma pigmentosum, group G (XPG). Also called: XERODERMA PIGMENTOSUM VII; XP, GROUP G; Xeroderma pigmentosum type 7; ERCC5-Related Xeroderma Pigmentosum. Identifiers: MedGen C0268141, MONDO:0010216, OMIM 278780.

Allele frequency attached by ClinVar (database versions not stated): ESP Exome Variant Server 0.00038; TOPMed 0.00061.

Submissions (8):

Labcorp Genetics (formerly Invitae), Labcorp
Classification: Likely benign. Last evaluated: 2026-01-26. Review status: criteria provided, single submitter. Criteria: Invitae Variant Classification Sherloc (09022015). Collection method: clinical testing. Allele origin: germline.

Blueprint Genetics
Classification: Likely benign. Last evaluated: 2024-11-20. Review status: criteria provided, single submitter. Criteria: ACMG Guidelines, 2015. Collection method: clinical testing. Allele origin: germline.

CeGaT Center for Human Genetics Tuebingen
Classification: Likely benign. Last evaluated: 2022-11-01. Review status: criteria provided, single submitter. Criteria: CeGaT Center For Human Genetics Tuebingen Variant Classification Criteria Version 2. Collection method: clinical testing. Allele origin: germline. Affected: yes. Observed: 2 variant alleles.
Comment: ERCC5: BP4

Sema4
Classification: Likely benign for Hereditary cancer-predisposing syndrome. Last evaluated: 2020-12-11. Review status: criteria provided, single submitter. Criteria: Sema4 Curation Guidelines. Collection method: curation. Allele origin: germline.

GeneDx
Classification: Uncertain significance. Last evaluated: 2020-10-01. Review status: criteria provided, single submitter. Criteria: GeneDx Variant Classification Process June 2021. Collection method: clinical testing. Allele origin: germline. Affected: yes.
Comment: In silico analysis supports that this missense variant does not alter protein structure/function; Observed in the germline or tumor of an individual with BAP1-associated tumor predisposition syndrome and in healthy individuals undergoing whole exome sequencing (Bodian 2014, Bochtler 2018, Pritchard 2018); This variant is associated with the following publications: (PMID: 29891518, 24728327, 29641532)

Centre for Mendelian Genomics, University Medical Centre Ljubljana
Classification: Benign for Xeroderma pigmentosum, group G. Last evaluated: 2018-11-04. Review status: criteria provided, single submitter. Criteria: ACMG Guidelines, 2015. Collection method: clinical testing. Allele origin: unknown. Affected: yes.
Comment: This variant was classified as: Benign. The following ACMG criteria were applied in classifying this variant: BS1,BS2.

Illumina Laboratory Services, Illumina
Classification: Uncertain significance for Xeroderma pigmentosum, group G. Last evaluated: 2018-01-13. Review status: criteria provided, single submitter. Criteria: ICSL Variant Classification Criteria 13 December 2019. Collection method: clinical testing. Allele origin: germline.

ITMI
No classification provided. Condition: AllHighlyPenetrant. Last evaluated: 2013-09-19. Review status: no classification provided. Collection method: reference population. Allele origin: germline. Not counted in ClinVar's aggregate classification.
Comment: Please see associated publication for description of ethnicities

Literature cited by the submitters: PubMed 29891518 (cited by Sema4); PubMed 24728327 (cited by ITMI).